The following is an entry in ClinVar:

ClinVar aggregate classification (germline): Pathogenic/Likely pathogenic. Review status: criteria provided, multiple submitters, no conflicts (2 of 4 stars). 2 submissions from 2 submitters: Pathogenic (1); Likely pathogenic (1). Last evaluated 2023-02-11.

Conditions:
Autosomal recessive nonsyndromic hearing loss 4 (DFNB4). Also called: Deafness, autosomal recessive 4, with enlarged vestibular aqueduct; FOXI1-Related Pendred Syndrome; KCNJ10-Related Pendred Syndrome; DEAFNESS, AUTOSOMAL RECESSIVE 4, WITH ENLARGED VESTIBULAR AQUEDUCT, DIGENIC; Deafness, autosomal recessive 4; Enlarged vestibular aqueduct, digenic. Identifiers: Orphanet 90636, MedGen C3538946, MONDO:0010933, OMIM 600791.

gnomAD v4.1: 1 of 1,568,208 alleles (0.000064%); highest among the groups gnomAD compares: Non-Finnish European, 0.000088%; no homozygotes.

Submissions (2):

Baylor Genetics
Classification: Likely pathogenic for Autosomal recessive nonsyndromic hearing loss 4. Last evaluated: 2023-02-11. Review status: criteria provided, single submitter. Criteria: ACMG Guidelines, 2015. Collection method: clinical testing. Allele origin: unknown.

Labcorp Genetics (formerly Invitae), Labcorp
Classification: Pathogenic. Last evaluated: 2020-09-16. Review status: criteria provided, single submitter. Criteria: Invitae Variant Classification Sherloc (09022015). Collection method: clinical testing. Allele origin: germline.
Comment: This sequence change affects an acceptor splice site in intron 9 of the SLC26A4 gene. It is expected to disrupt RNA splicing and likely results in an absent or disrupted protein product. This variant is not present in population databases (ExAC no frequency). For these reasons, this variant has been classified as Pathogenic. Donor and acceptor splice site variants typically lead to a loss of protein function (PMID: 16199547), and loss-of-function variants in SLC26A4 are known to be pathogenic (PMID: 16283880, 25394566, 26252218, 26445815). Algorithms developed to predict the effect of sequence changes on RNA splicing suggest that this variant may disrupt the consensus splice site, but this prediction has not been confirmed by published transcriptional studies. Disruption of this splice site has been observed in individual(s) with Pendred syndrome (PMID: 18250610). In at least one individual the data is consistent with the variant being in trans (on the opposite chromosome) from a pathogenic variant.

Literature cited by the submitters: PubMed 16199547 (cited by Labcorp Genetics (formerly Invitae), Labcorp); PubMed 16283880 (cited by Labcorp Genetics (formerly Invitae), Labcorp); PubMed 25394566 (cited by Labcorp Genetics (formerly Invitae), Labcorp); PubMed 26252218 (cited by Labcorp Genetics (formerly Invitae), Labcorp); PubMed 26445815 (cited by Labcorp Genetics (formerly Invitae), Labcorp); PubMed 18250610 (cited by Labcorp Genetics (formerly Invitae), Labcorp).

NM_000441.2(SLC26A4):c.1150-1G>T

Gene: SLC26A4 (solute carrier family 26 member 4; plus strand). Cytogenetic location: 7q22.3.
Variant type: single nucleotide variant.
Coding change: c.1150-1G>T on transcript NM_000441.2 (MANE Select); the canonical splice acceptor site of the intron before coding-DNA position 1150, G replaced by T.
Molecular consequence: splice acceptor variant.
Genome position (GRCh38, 1-based): chr7:107,690,123, G>T. VCF-style: chr7-107690123-G-T. GRCh37 (hg19) VCF-style: chr7-107330568-G-T.
Identifiers: ClinVar variation 1073278 (VCV001073278.10), dbSNP rs1791525285, ClinGen allele CA368839076.
Genomic context (GRCh38, chr7:107,690,123, plus strand): 5'-TCAGCGAAGGTCTTGCAAAGATTCAATTTGTAGGATCGTTGTCATCCAGTCTCTTCCTTA[G>T]GAATTCATTGCCTTTGGGATCAGCAACATCTTCTCAGGATTCTTCTCTTGTTTTGTGGCC-3'